The following is an entry in ClinVar:

ClinVar aggregate classification (germline): Uncertain significance. Review status: criteria provided, multiple submitters, no conflicts (2 of 4 stars). 3 submissions from 3 submitters: Uncertain significance (3). Last evaluated 2025-11-05.

Conditions:
Hereditary cancer-predisposing syndrome. Also called: Tumor predisposition; Hereditary neoplastic syndrome; Neoplastic Syndromes, Hereditary; Hereditary Cancer Syndrome. Identifiers: Orphanet 140162, MedGen C0027672, MeSH D009386, MONDO:0015356.
Gastrointestinal stromal tumor. Also called: Gastrointestinal stroma tumor; Gastrointestinal stromal tumor, somatic. Identifiers: Orphanet 44890, MedGen C0238198, MeSH D046152, MONDO:0011719, OMIM 606764, HP:0100723.

Allele frequency attached by ClinVar (database versions not stated): gnomAD exomes 0.00001; TOPMed 0.00001.
gnomAD v4.1: 14 of 1,612,876 alleles (0.00087%); highest among the groups gnomAD compares: East Asian, 0.0022%; no homozygotes.

Submissions (3):

Labcorp Genetics (formerly Invitae), Labcorp
Classification: Uncertain significance for Gastrointestinal stromal tumor. Last evaluated: 2025-11-05. Review status: criteria provided, single submitter. Criteria: Invitae Variant Classification Sherloc (09022015). Collection method: clinical testing. Allele origin: germline.
Comment: This sequence change replaces valine, which is neutral and non-polar, with methionine, which is neutral and non-polar, at codon 224 of the PDGFRA protein (p.Val224Met). This variant is not present in population databases (gnomAD no frequency). This variant has not been reported in the literature in individuals affected with PDGFRA-related conditions. ClinVar contains an entry for this variant (Variation ID: 459118). Invitae Evidence Modeling of protein sequence and biophysical properties (such as structural, functional, and spatial information, amino acid conservation, physicochemical variation, residue mobility, and thermodynamic stability) indicates that this missense variant is not expected to disrupt PDGFRA protein function with a negative predictive value of 80%. In summary, the available evidence is currently insufficient to determine the role of this variant in disease. Therefore, it has been classified as a Variant of Uncertain Significance.

Ambry Genetics
Classification: Uncertain significance for Hereditary cancer-predisposing syndrome. Last evaluated: 2025-10-23. Review status: criteria provided, single submitter. Criteria: Ambry Variant Classification Scheme 2023. Collection method: clinical testing. Allele origin: germline.
Comment: The p.V224M variant (also known as c.670G>A), located in coding exon 4 of the PDGFRA gene, results from a G to A substitution at nucleotide position 670. The valine at codon 224 is replaced by methionine, an amino acid with highly similar properties. This amino acid position is conserved. In addition, this alteration is predicted to be tolerated by in silico analysis. Since supporting evidence is limited at this time, the clinical significance of this alteration remains unclear.

GeneDx
Classification: Uncertain significance. Last evaluated: 2023-08-07. Review status: criteria provided, single submitter. Criteria: GeneDx Variant Classification Process June 2021. Collection method: clinical testing. Allele origin: germline. Affected: yes.
Comment: Not observed at significant frequency in large population cohorts (gnomAD); In silico analysis supports that this missense variant does not alter protein structure/function; Has not been previously published as pathogenic or benign to our knowledge

NM_006206.6(PDGFRA):c.670G>A (p.Val224Met)

Gene: PDGFRA (platelet derived growth factor receptor alpha; plus strand). Cytogenetic location: 4q12.
Variant type: single nucleotide variant.
Coding change: c.670G>A on transcript NM_006206.6 (MANE Select); coding-DNA position 670, G replaced by A.
Protein change: p.Val224Met; replaces valine 224 with methionine.
Molecular consequence: missense variant.
Genome position (GRCh38, 1-based): chr4:54,264,960, G>A. VCF-style: chr4-54264960-G-A. GRCh37 (hg19) VCF-style: chr4-55131127-G-A.
Other names: c.670G>A, p.Val224Met (NM_001347827.2, NM_001347829.2); c.745G>A, p.Val249Met (NM_001347828.2); c.709G>A, p.Val237Met (NM_001347830.2); short protein forms V224M, V237M, V249M.
Identifiers: ClinVar variation 459118 (VCV000459118.13), dbSNP rs1248275606, ClinGen allele CA356890841.